The following is an entry in ClinVar:

ClinVar aggregate classification (germline): Uncertain significance. Review status: criteria provided, multiple submitters, no conflicts (2 of 4 stars). 2 submissions from 2 submitters: Uncertain significance (2). Last evaluated 2025-12-17.

Conditions:
Colorectal cancer, hereditary nonpolyposis, type 7. Identifiers: Orphanet 144, MedGen C1858380, MONDO:0013725, OMIM 614385.

Allele frequency attached by ClinVar (database versions not stated): gnomAD exomes 0.00001; ExAC 0.00002.

Submissions (2):

Labcorp Genetics (formerly Invitae), Labcorp
Classification: Uncertain significance for Colorectal cancer, hereditary nonpolyposis, type 7. Last evaluated: 2025-12-17. Review status: criteria provided, single submitter. Criteria: Invitae Variant Classification Sherloc (09022015). Collection method: clinical testing. Allele origin: germline.
Comment: This sequence change replaces valine, which is neutral and non-polar, with methionine, which is neutral and non-polar, at codon 344 of the MLH3 protein (p.Val344Met). This variant is present in population databases (rs758958422, gnomAD 0.002%). This variant has not been reported in the literature in individuals affected with MLH3-related conditions. ClinVar contains an entry for this variant (Variation ID: 1395877). An algorithm developed to predict the effect of missense changes on protein structure and function outputs the following: PolyPhen-2: "Possibly Damaging". The methionine amino acid residue is found in multiple mammalian species, which suggests that this missense change does not adversely affect protein function. In summary, the available evidence is currently insufficient to determine the role of this variant in disease. Therefore, it has been classified as a Variant of Uncertain Significance.

Ambry Genetics
Classification: Uncertain significance. Last evaluated: 2023-11-21. Review status: criteria provided, single submitter. Criteria: Ambry Variant Classification Scheme 2023. Collection method: clinical testing. Allele origin: germline.
Comment: The p.V344M variant (also known as c.1030G>A), located in coding exon 1 of the MLH3 gene, results from a G to A substitution at nucleotide position 1030. The valine at codon 344 is replaced by methionine, an amino acid with highly similar properties. This alteration was identified in 1/1358 non-cancer control individuals and in 0/57 cases, in a study looking at cancer predisposition mutations in patients with cutaneous melanoma and a history of at least two additional non-cutaneous melanoma primary cancers (Pritchard AL et al. PLoS One, 2018 Apr;13:e0194098). This amino acid position is well conserved in available vertebrate species. In addition, the in silico prediction for this alteration is inconclusive. Since supporting evidence is limited at this time, the clinical significance of this alteration remains unclear.

Literature cited by the submitters: PubMed 29641532 (cited by Ambry Genetics).

NM_001040108.2(MLH3):c.1030G>A (p.Val344Met)

Gene: MLH3 (mutL homolog 3; minus strand). Cytogenetic location: 14q24.3.
Variant type: single nucleotide variant.
Coding change: c.1030G>A on transcript NM_001040108.2 (MANE Select); coding-DNA position 1030, G replaced by A.
Protein change: p.Val344Met; replaces valine 344 with methionine.
Molecular consequence: missense variant.
Genome position (GRCh38, 1-based): chr14:75,048,626, C>T on the plus strand (G>A on the coding strand, the complement: MLH3 is on the minus strand). VCF-style: chr14-75048626-C-T. GRCh37 (hg19) VCF-style: chr14-75515329-C-T.
Other names: c.1030G>A, p.Val344Met (NM_014381.3); short protein forms V344M.
Identifiers: ClinVar variation 1395877 (VCV001395877.9), dbSNP rs758958422, ClinGen allele CA7275931.
Genomic context (GRCh38, chr14:75,048,626, plus strand): 5'-CCTTAATATCCTCACCTGATAATTCCACAAATAATTTTTCTTGCTTTAAAAACATTTTCA[C>T]TCCTTCCTGAATGCAAAACAAGAGAGTGTCCCAGTTCTGAAATTCAATCAGAGTTTTGGC-3'
Protein context (NP_001035197.1, residues 334-354): DTLLFCIQEG[Val344Met]KMFLKQEKLF